The following is an entry in ClinVar:

NM_001372044.2(SHANK3):c.4745del (p.Asp1582fs)

Gene: SHANK3 (SH3 and multiple ankyrin repeat domains 3; plus strand). Cytogenetic location: 22q13.33.
Variant type: Deletion.
Coding change: c.4745del on transcript NM_001372044.2 (MANE Select); coding-DNA position 4745, one base deleted (A; older notation c.4745delA).
Protein change: p.Asp1582fs; shifts the reading frame from aspartic acid 1582.
Molecular consequence: frameshift variant.
Genome position (GRCh38, 1-based): chr22:50,722,353, A deleted. VCF-style (leftmost placement, unchanged base first): chr22-50722352-GA-G. GRCh37 (hg19) VCF-style: chr22-51160780-GA-G.
Other names: short protein forms D1582fs.
Identifiers: ClinVar variation 4818987 (VCV004818987.1).
Genomic context (GRCh38, chr22:50,722,352, plus strand): 5'-GAAGACGACAAACCAACTGTGATCAGTGAGCTCAGCTCCCGCCTGCAGCAGCTGAACAAG[GA>G]CACGCGTTCCCTGGGGGAGGAACCAGTTGGTGGCCTGGGCAGCCTGCTGGACCCTGCCAA-3'

ClinVar aggregate classification (germline): Pathogenic (1 of 4 stars; one submission).

Conditions:
Phelan-McDermid syndrome. Also called: TELOMERIC 22q13 MONOSOMY SYNDROME; 22q13.3 deletion syndrome; Phelan-McDermid Syndrome-SHANK3 Related. Identifiers: Orphanet 48652, MedGen C1853490, MONDO:0011652, OMIM 606232.

Submission:

Victorian Clinical Genetics Services, Murdoch Childrens Research Institute
Classification: Pathogenic for Phelan-McDermid syndrome. Last evaluated: 2025-12-03. Review status: criteria provided, single submitter. Criteria: ACMG Guidelines, 2015. Collection method: clinical testing. Allele origin: germline. Affected: yes.
Comment: This variant is classified as Pathogenic. Evidence in support of pathogenic classification: Variant is predicted to result in a truncated protein (premature termination codon is NOT located at least 54 nucleotides upstream of the final exon-exon junction) with less than 1/3 of the protein sequence affected; Variant is absent from gnomAD (v2, v3 and v4); This variant has limited previous evidence of pathogenicity in an unrelated individual(s). This variant has been classified as pathogenic by a clinical laboratory in ClinVar (annotated as c.4784del); Other truncating variant(s) comparable to the one identified in this case have very strong previous evidence for pathogenicity (ClinVar); Additional information: This variant is heterozygous; This gene is associated with autosomal dominant disease; Loss of function is a known mechanism of disease in this gene and is associated with Phelan-McDermid syndrome (MIM#606232); Variants in this gene are known to have variable expressivity (OMIM, PMID: 20301377).

Literature cited by the submitters: PubMed 20301377.